The following is an entry in ClinVar:

ClinVar aggregate classification (germline): Likely pathogenic (1 of 4 stars; one submission).

Conditions:
Dilated cardiomyopathy 1G (CMD1G). Identifiers: Orphanet 154, MedGen C1858763, MONDO:0011400, OMIM 604145.
Autosomal recessive limb-girdle muscular dystrophy type 2J (LGMDR10). Also called: Limb-girdle muscular dystrophy, type 2J; MUSCULAR DYSTROPHY, LIMB-GIRDLE, AUTOSOMAL RECESSIVE 10. Identifiers: Orphanet 140922, MedGen C1837342, MONDO:0012127, OMIM 608807.

Submission:

Labcorp Genetics (formerly Invitae), Labcorp
Classification: Likely pathogenic for Dilated cardiomyopathy 1G; Autosomal recessive limb-girdle muscular dystrophy type 2J. Last evaluated: 2024-10-18. Review status: criteria provided, single submitter. Criteria: Invitae Variant Classification Sherloc (09022015). Collection method: clinical testing. Allele origin: germline.
Comment: This sequence change creates a premature translational stop signal (p.Ile15205Serfs*3) in the TTN gene. While this is not anticipated to result in nonsense mediated decay, it is expected to create a truncated TTN protein. This variant is not present in population databases (gnomAD no frequency). This variant has not been reported in the literature in individuals affected with TTN-related conditions. ClinVar contains an entry for this variant (Variation ID: 1034689). This variant is located in the I band of TTN (PMID: 25589632). Truncating variants in this region have been reported in individuals affected with autosomal recessive centronuclear myopathy (PMID: 23975875, internal data). Truncating variants in this region have also been identified in individuals affected with autosomal dominant dilated cardiomyopathy and/or cardio-related conditions (PMID: 27869827, 32964742, internal data). In summary, the currently available evidence indicates that the variant is pathogenic, but additional data are needed to prove that conclusively. Therefore, this variant has been classified as Likely Pathogenic.

Literature cited by the submitters: PubMed 25589632; PubMed 23975875; PubMed 27869827; PubMed 32964742.

NM_001267550.2(TTN):c.45610_45613dup (p.Ile15205fs)

Genes: TTN (titin; minus strand), LOC126806427 (BRD4-independent group 4 enhancer GRCh37_chr2:179485777-179486976; plus strand). Cytogenetic location: 2q31.2.
Variant type: Duplication.
Coding change: c.45610_45613dup on transcript NM_001267550.2 (MANE Select); coding-DNA positions 45610 to 45613, 4 bases duplicated (GTCA; older notation c.45610_45613dupGTCA).
Protein change: p.Ile15205fs; shifts the reading frame from isoleucine 15205.
Molecular consequence: frameshift variant.
Genome position (GRCh38, 1-based): chr2:178,621,105-178,621,108, TGAC duplicated on the plus strand (GTCA on the coding strand, the reverse complement: TTN is on the minus strand); duplicating any 4 consecutive bases within chr2:178,621,105-178,621,110 gives the same sequence; the c. name uses the placement nearest the transcript's 3' end. VCF-style (leftmost placement, unchanged base first): chr2-178621104-A-ATGAC. GRCh37 (hg19) VCF-style: chr2-179485831-A-ATGAC.
Other names: c.40687_40690dup, p.Ile13564fs (NM_001256850.1); c.18415_18418dup, p.Ile6140fs (NM_003319.4); c.37906_37909dup, p.Ile12637fs (NM_133378.4); c.18790_18793dup, p.Ile6265fs (NM_133432.3); c.18991_18994dup, p.Ile6332fs (NM_133437.4); short protein forms I12637fs, I13564fs, I15205fs, I6332fs, I6140fs, I6265fs.
Identifiers: ClinVar variation 1034689 (VCV001034689.9), dbSNP rs2058205143, ClinGen allele CA1310552064.